The following is an entry in ClinVar:

ClinVar aggregate classification (germline): Uncertain significance (1 of 4 stars; one submission).

Conditions:
Fanconi anemia complementation group J. Also called: BRIP1-Related Fanconi Anemia. Identifiers: Orphanet 84, MedGen C1836860, MONDO:0012187, OMIM 609054.
Familial cancer of breast. Also called: BREAST CANCER, FAMILIAL; Hereditary breast cancer; hereditary breast carcinoma. Identifiers: Orphanet 227535, MedGen C0346153, MONDO:0016419, OMIM 114480. Disease mechanism: loss of function.

Allele frequency attached by ClinVar (database versions not stated): gnomAD exomes 0.00001.
gnomAD v4.1: 5 of 1,612,902 alleles (0.00031%); highest among the groups gnomAD compares: Non-Finnish European, 0.00042%; no homozygotes.

Submission:

Labcorp Genetics (formerly Invitae), Labcorp
Classification: Uncertain significance for Familial cancer of breast; Fanconi anemia complementation group J. Last evaluated: 2023-06-03. Review status: criteria provided, single submitter. Criteria: Invitae Variant Classification Sherloc (09022015). Collection method: clinical testing. Allele origin: germline.
Comment: In summary, the available evidence is currently insufficient to determine the role of this variant in disease. Therefore, it has been classified as a Variant of Uncertain Significance. Advanced modeling of protein sequence and biophysical properties (such as structural, functional, and spatial information, amino acid conservation, physicochemical variation, residue mobility, and thermodynamic stability) performed at Invitae indicates that this missense variant is not expected to disrupt BRIP1 protein function. ClinVar contains an entry for this variant (Variation ID: 1044804). This variant has not been reported in the literature in individuals affected with BRIP1-related conditions. This variant is not present in population databases (gnomAD no frequency). This sequence change replaces histidine, which is basic and polar, with arginine, which is basic and polar, at codon 314 of the BRIP1 protein (p.His314Arg).

NM_032043.3(BRIP1):c.941A>G (p.His314Arg)

Gene: BRIP1 (BRCA1 interacting DNA helicase 1; minus strand). Cytogenetic location: 17q23.2.
Variant type: single nucleotide variant.
Coding change: c.941A>G on transcript NM_032043.3 (MANE Select); coding-DNA position 941, A replaced by G.
Protein change: p.His314Arg; replaces histidine 314 with arginine.
Molecular consequence: missense variant.
Genome position (GRCh38, 1-based): chr17:61,801,452, T>C on the plus strand (A>G on the coding strand, the complement: BRIP1 is on the minus strand). VCF-style: chr17-61801452-T-C. GRCh37 (hg19) VCF-style: chr17-59878813-T-C.
Other names: short protein forms H314R.
Identifiers: ClinVar variation 1044804 (VCV001044804.9), dbSNP rs112076926, ClinGen allele CA292286125.